The following is an entry in ClinVar:

NM_000059.4(BRCA2):c.2490C>G (p.Asn830Lys)

Gene: BRCA2 (BRCA2 DNA repair associated; plus strand). Cytogenetic location: 13q13.1.
Variant type: single nucleotide variant.
Coding change: c.2490C>G on transcript NM_000059.4 (MANE Select); coding-DNA position 2490, C replaced by G.
Protein change: p.Asn830Lys; replaces asparagine 830 with lysine.
Molecular consequence: missense variant.
Genome position (GRCh38, 1-based): chr13:32,336,845, C>G. VCF-style: chr13-32336845-C-G. GRCh37 (hg19) VCF-style: chr13-32910982-C-G.
Other names: short protein forms N830K.
Identifiers: ClinVar variation 265055 (VCV000265055.24), dbSNP rs56331088, ClinGen allele CA10588562.

ClinVar aggregate classification (germline): Conflicting classifications of pathogenicity. Review status: criteria provided, conflicting classifications (1 of 4 stars). 6 submissions from 6 submitters: Uncertain significance (5); Likely benign (1). Last evaluated 2026-06-01.

Conditions:
Hereditary cancer-predisposing syndrome. Also called: Hereditary neoplastic syndrome; Neoplastic Syndromes, Hereditary; Hereditary Cancer Syndrome; Tumor predisposition. Identifiers: Orphanet 140162, MedGen C0027672, MeSH D009386, MONDO:0015356.
Hereditary breast ovarian cancer syndrome. Also called: Hereditary breast and/or ovarian cancer syndrome; Hereditary breast and ovarian cancer syndrome (HBOC); Breast and ovarian cancer; Hereditary breast and ovarian cancer syndrome; Hereditary breast and ovarian cancer; BRCA1- and BRCA2-Associated Hereditary Breast and Ovarian Cancer. Identifiers: Orphanet 145, MedGen C0677776, MeSH D061325, MONDO:0003582. Disease mechanism: loss of function.
Breast-ovarian cancer, familial, susceptibility to, 2 (BROVCA2). Also called: BRCA2 Hereditary Breast and Ovarian Cancer. Identifiers: Orphanet 145, MedGen C2675520, MONDO:0012933, OMIM 612555. Disease mechanism: loss of function.

Allele frequency attached by ClinVar (database versions not stated): TOPMed 0.00001.
gnomAD v4.1: 2 of 1,605,130 alleles (0.00012%); highest among the groups gnomAD compares: African/African-American, 0.0027%; no homozygotes.

Submissions (6):

Women's Health and Genetics/Laboratory Corporation of America, LabCorp
Classification: Uncertain significance. Last evaluated: 2026-06-01. Review status: criteria provided, single submitter. Criteria: LabCorp Variant Classification Summary - May 2015. Collection method: clinical testing. Allele origin: germline.
Comment: Variant summary: BRCA2 c.2490C>G (p.Asn830Lys) results in a non-conservative amino acid change in the encoded protein sequence. Algorithms developed to predict the effect of missense changes on protein structure and function are either unavailable or do not agree on the potential impact of this missense change. The variant was absent in 242238 control chromosomes. The available data on variant occurrences in the general population are insufficient to allow any conclusion about variant significance. To our knowledge, no occurrence of c.2490C>G in individuals affected with BRCA2-related conditions and no experimental evidence demonstrating its impact on protein function have been reported. ClinVar contains an entry for this variant (Variation ID: 265055). Based on the evidence outlined above, the variant was classified as uncertain significance.

GeneDx
Classification: Uncertain significance. Last evaluated: 2024-02-05. Review status: criteria provided, single submitter. Criteria: GeneDx Variant Classification Process June 2021. Collection method: clinical testing. Allele origin: germline. Affected: yes.
Comment: Not observed at significant frequency in large population cohorts (gnomAD); In silico analysis supports that this missense variant does not alter protein structure/function; Has not been previously published as pathogenic or benign to our knowledge; Also known as 2718C>G; This variant is associated with the following publications: (PMID: 31853058, 32377563, 29884841)

All of Us Research Program, National Institutes of Health
Classification: Uncertain significance for Breast-ovarian cancer, familial, susceptibility to, 2. Last evaluated: 2023-06-26. Review status: criteria provided, single submitter. Criteria: ACMG Guidelines, 2015. Collection method: clinical testing. Allele origin: germline. Inheritance: Autosomal dominant inheritance. Observed: 1 variant allele, 1 heterozygote.
Comment: This missense variant replaces asparagine with lysine at codon 830 of the BRCA2 protein. Computational prediction suggests that this variant may not impact protein structure and function (internally defined REVEL score threshold <= 0.5, PMID: 27666373). To our knowledge, functional studies have not been reported for this variant. This variant has not been reported in individuals affected with BRCA2-related disorders in the literature. This variant has not been identified in the general population by the Genome Aggregation Database (gnomAD). The available evidence is insufficient to determine the role of this variant in disease conclusively. Therefore, this variant is classified as a Variant of Uncertain Significance.

This study involves interpretation of variants in research participants for the purpose of population health screening. Participant phenotype was not available at the time of variant classification. Additional details can be found in publication PMID: 35346344, PMCID: PMC8962531

Labcorp Genetics (formerly Invitae), Labcorp
Classification: Uncertain significance for Hereditary breast ovarian cancer syndrome. Last evaluated: 2023-06-14. Review status: criteria provided, single submitter. Criteria: Invitae Variant Classification Sherloc (09022015). Collection method: clinical testing. Allele origin: germline.
Comment: In summary, the available evidence is currently insufficient to determine the role of this variant in disease. Therefore, it has been classified as a Variant of Uncertain Significance. Advanced modeling of protein sequence and biophysical properties (such as structural, functional, and spatial information, amino acid conservation, physicochemical variation, residue mobility, and thermodynamic stability) performed at Invitae indicates that this missense variant is not expected to disrupt BRCA2 protein function. ClinVar contains an entry for this variant (Variation ID: 265055). This variant has not been reported in the literature in individuals affected with BRCA2-related conditions. This variant is not present in population databases (gnomAD no frequency). This sequence change replaces asparagine, which is neutral and polar, with lysine, which is basic and polar, at codon 830 of the BRCA2 protein (p.Asn830Lys).

Color Diagnostics, LLC DBA Color Health
Classification: Uncertain significance for Hereditary cancer-predisposing syndrome. Last evaluated: 2023-05-04. Review status: criteria provided, single submitter. Criteria: ACMG Guidelines, 2015. Collection method: clinical testing. Allele origin: germline.
Comment: This missense variant replaces asparagine with lysine at codon 830 of the BRCA2 protein. Computational prediction suggests that this variant may not impact protein structure and function (internally defined REVEL score threshold <= 0.5, PMID: 27666373). To our knowledge, functional studies have not been reported for this variant. This variant has not been reported in individuals affected with BRCA2-related disorders in the literature. This variant has not been identified in the general population by the Genome Aggregation Database (gnomAD). The available evidence is insufficient to determine the role of this variant in disease conclusively. Therefore, this variant is classified as a Variant of Uncertain Significance.

University of Washington Department of Laboratory Medicine, University of Washington
Classification: Likely benign for Hereditary cancer-predisposing syndrome. Last evaluated: 2023-03-23. Review status: criteria provided, single submitter. Criteria: Dines et al. (Genet Med. 2020). Collection method: curation. Allele origin: germline.
Comment: Missense variant in a coldspot region where missense variants are very unlikely to be pathogenic (PMID:31911673).

BRCA2 exon 11 coldspot. Reclassification based on statistical prior probability.